The following is an entry in ClinVar:

ClinVar aggregate classification (germline): Uncertain significance (1 of 4 stars; one submission).

Conditions:
Encephalopathy, acute, infection-induced (herpes-specific), susceptibility to, 1. Also called: Herpes simplex encephalitis, susceptibility to, 1. Identifiers: Orphanet 1930, MedGen C2750180, MONDO:0024563, OMIM 610551.

Submission:

Labcorp Genetics (formerly Invitae), Labcorp
Classification: Uncertain significance for Encephalopathy, acute, infection-induced (herpes-specific), susceptibility to, 1. Last evaluated: 2023-01-04. Review status: criteria provided, single submitter. Criteria: Invitae Variant Classification Sherloc (09022015). Collection method: clinical testing. Allele origin: germline.
Comment: This sequence change replaces proline, which is neutral and non-polar, with leucine, which is neutral and non-polar, at codon 602 of the TLR3 protein (p.Pro602Leu). In summary, the available evidence is currently insufficient to determine the role of this variant in disease. Therefore, it has been classified as a Variant of Uncertain Significance. Algorithms developed to predict the effect of missense changes on protein structure and function output the following: SIFT: "Tolerated"; PolyPhen-2: "Benign"; Align-GVGD: "Class C0". The leucine amino acid residue is found in multiple mammalian species, which suggests that this missense change does not adversely affect protein function. This variant has not been reported in the literature in individuals affected with TLR3-related conditions. This variant is not present in population databases (gnomAD no frequency).

NM_003265.3(TLR3):c.1805C>T (p.Pro602Leu)

Gene: TLR3 (toll like receptor 3; plus strand). Cytogenetic location: 4q35.1.
Variant type: single nucleotide variant.
Coding change: c.1805C>T on transcript NM_003265.3 (MANE Select); coding-DNA position 1805, C replaced by T.
Protein change: p.Pro602Leu; replaces proline 602 with leucine.
Molecular consequence: missense variant.
Genome position (GRCh38, 1-based): chr4:186,083,491, C>T. VCF-style: chr4-186083491-C-T. GRCh37 (hg19) VCF-style: chr4-187004645-C-T.
Other names: short protein forms P602L.
Identifiers: ClinVar variation 2742097 (VCV002742097.3), dbSNP rs2150068041, ClinGen allele CA358934188.